The following is an entry in ClinVar:

ClinVar aggregate classification (germline): Uncertain significance. Review status: criteria provided, multiple submitters, no conflicts (2 of 4 stars). 2 submissions from 2 submitters: Uncertain significance (2). Last evaluated 2025-08-10.

Conditions:
Inborn genetic diseases. Identifiers: MedGen C0950123, MeSH D030342.

gnomAD v4.1: 80 of 1,613,680 alleles (0.005%); highest among the groups gnomAD compares: Non-Finnish European, 0.006%; no homozygotes.

Submissions (2):

Ambry Genetics
Classification: Uncertain significance for Inborn genetic diseases. Last evaluated: 2025-08-10. Review status: criteria provided, single submitter. Criteria: Ambry Variant Classification Scheme 2023. Collection method: clinical testing. Allele origin: germline.

GeneDx
Classification: Uncertain significance. Last evaluated: 2024-06-25. Review status: criteria provided, single submitter. Criteria: GeneDx Variant Classification Process June 2021. Collection method: clinical testing. Allele origin: germline. Affected: yes.
Comment: In silico analysis indicates that this missense variant does not alter protein structure/function; Has not been previously published as pathogenic or benign to our knowledge

NM_005357.4(LIPE):c.2697G>T (p.Glu899Asp)

Genes: LIPE (lipase E, hormone sensitive type; minus strand), LIPE-AS1 (LIPE antisense RNA 1; plus strand), LOC101930071 (uncharacterized LOC101930071; plus strand). Cytogenetic location: 19q13.2.
Variant type: single nucleotide variant.
Coding change: c.2697G>T on transcript NM_005357.4 (MANE Select); coding-DNA position 2697, G replaced by T.
Protein change: p.Glu899Asp; replaces glutamic acid 899 with aspartic acid.
Molecular consequence: missense variant.
Genome position (GRCh38, 1-based): chr19:42,402,877, C>A on the plus strand (G>T on the coding strand, the complement: LIPE is on the minus strand). VCF-style: chr19-42402877-C-A. GRCh37 (hg19) VCF-style: chr19-42907029-C-A.
Other names: c.1947G>T, p.Glu649Asp (NM_001416100.1); c.1932G>T, p.Glu644Asp (NM_001416101.1); c.1827G>T, p.Glu609Asp (NM_001416102.1); c.1794G>T, p.Glu598Asp (NM_001416103.1, NM_001416104.1); c.1704G>T, p.Glu568Asp (NM_001416105.1); c.1599G>T, p.Glu533Asp (NM_001416106.1); c.1110G>T, p.Glu370Asp (NM_001416107.1); c.1056G>T, p.Glu352Asp (NM_001416108.1); and 1 more; short protein forms E533D, E649D, E899D, E352D, E370D, E568D, E598D, E644D.
Identifiers: ClinVar variation 3572551 (VCV003572551.2).